The following is an entry in ClinVar:

ClinVar aggregate classification (germline): Uncertain significance. Review status: criteria provided, multiple submitters, no conflicts (2 of 4 stars). 2 submissions from 2 submitters: Uncertain significance (2). Last evaluated 2023-07-29.

Conditions:
Inborn genetic diseases. Identifiers: MedGen C0950123, MeSH D030342.

Allele frequency attached by ClinVar (database versions not stated): gnomAD exomes 0.00001; TOPMed 0.00001.
gnomAD v4.1: 3 of 1,552,158 alleles (0.00019%); highest among the groups gnomAD compares: Admixed American, 0.0059%; no homozygotes.

Submissions (2):

Labcorp Genetics (formerly Invitae), Labcorp
Classification: Uncertain significance. Last evaluated: 2023-07-29. Review status: criteria provided, single submitter. Criteria: Invitae Variant Classification Sherloc (09022015). Collection method: clinical testing. Allele origin: germline.
Comment: This sequence change replaces glutamic acid, which is acidic and polar, with lysine, which is basic and polar, at codon 3183 of the UNC80 protein (p.Glu3183Lys). This variant is present in population databases (no rsID available, gnomAD 0.01%). This variant has not been reported in the literature in individuals affected with UNC80-related conditions. ClinVar contains an entry for this variant (Variation ID: 1467750). Advanced modeling of protein sequence and biophysical properties (such as structural, functional, and spatial information, amino acid conservation, physicochemical variation, residue mobility, and thermodynamic stability) performed at Invitae indicates that this missense variant is not expected to disrupt UNC80 protein function. In summary, the available evidence is currently insufficient to determine the role of this variant in disease. Therefore, it has been classified as a Variant of Uncertain Significance.

Ambry Genetics
Classification: Uncertain significance for Inborn genetic diseases. Last evaluated: 2021-01-05. Review status: criteria provided, single submitter. Criteria: Ambry Variant Classification Scheme 2023. Collection method: clinical testing. Allele origin: germline.
Comment: The c.9547G>A (p.E3183K) alteration is located in exon 64 (coding exon 64) of the UNC80 gene. This alteration results from a G to A substitution at nucleotide position 9547, causing the glutamic acid (E) at amino acid position 3183 to be replaced by a lysine (K). The p.E3183K alteration is predicted to be tolerated by in silico analysis. Based on insufficient or conflicting evidence, the clinical significance of this alteration remains unclear.

NM_001371986.1(UNC80):c.9745G>A (p.Glu3249Lys)

Gene: UNC80 (unc-80 homolog, NALCN channel complex subunit; plus strand). Cytogenetic location: 2q34.
Variant type: single nucleotide variant.
Coding change: c.9745G>A on transcript NM_001371986.1 (MANE Select); coding-DNA position 9745, G replaced by A.
Protein change: p.Glu3249Lys; replaces glutamic acid 3249 with lysine.
Molecular consequence: missense variant.
Genome position (GRCh38, 1-based): chr2:209,995,365, G>A. VCF-style: chr2-209995365-G-A. GRCh37 (hg19) VCF-style: chr2-210860089-G-A.
Other names: c.9547G>A, p.Glu3183Lys (NM_032504.2); c.9475G>A, p.Glu3159Lys (NM_182587.4); c.9547G>A (NM_032504.1); short protein forms E3183K, E3159K, E3249K.
Identifiers: ClinVar variation 1467750 (VCV001467750.7), dbSNP rs1444642834, ClinGen allele CA350416208.